The following is an entry in ClinVar:

NM_002658.6(PLAU):c.111A>G (p.Gly37=)

Genes: PLAU (plasminogen activator, urokinase; plus strand), C10orf55 (chromosome 10 putative open reading frame 55; minus strand). Cytogenetic location: 10q22.2.
Variant type: single nucleotide variant.
Coding change: c.111A>G on transcript NM_002658.6 (MANE Select); coding-DNA position 111, A replaced by G.
Protein change: p.Gly37=; no amino-acid change (glycine 37 retained).
Molecular consequence: synonymous variant. On other transcripts: non-coding transcript variant (2), 5 prime UTR variant (1).
Genome position (GRCh38, 1-based): chr10:73,912,240, A>G. VCF-style: chr10-73912240-A-G. GRCh37 (hg19) VCF-style: chr10-75671998-A-G.
Other names: c.60A>G, p.Gly20= (NM_001145031.3); c.-148A>G (NM_001319191.2).
Identifiers: ClinVar variation 300742 (VCV000300742.7), dbSNP rs200927138, ClinGen allele CA5562330.

ClinVar aggregate classification (germline): Benign/Likely benign. Review status: criteria provided, multiple submitters, no conflicts (2 of 4 stars). 3 submissions from 3 submitters: Benign (1); Likely benign (2). Last evaluated 2025-05-27.

Conditions:
Quebec platelet disorder (QPD). Also called: FACTOR V QUEBEC; BLEEDING DISORDER, PLATELET-TYPE, 5. Identifiers: Orphanet 220436, MedGen C1866423, MONDO:0011136, OMIM 601709.

Allele frequency attached by ClinVar (database versions not stated): gnomAD exomes 0.00004; ExAC 0.00005; TOPMed 0.00006; gnomAD 0.00009.

Submissions (3):

Women's Health and Genetics/Laboratory Corporation of America, LabCorp
Classification: Likely benign. Last evaluated: 2025-05-27. Review status: criteria provided, single submitter. Criteria: LabCorp Variant Classification Summary - May 2015. Collection method: clinical testing. Allele origin: germline.

Blueprint Genetics
Classification: Likely benign. Last evaluated: 2024-10-16. Review status: criteria provided, single submitter. Criteria: ACMG Guidelines, 2015. Collection method: clinical testing. Allele origin: germline.

Illumina Laboratory Services, Illumina
Classification: Benign for Quebec platelet disorder. Last evaluated: 2017-05-22. Review status: criteria provided, single submitter. Criteria: ICSL Variant Classification Criteria 13 December 2019. Collection method: clinical testing. Allele origin: germline.
Comment: This variant was observed as part of a predisposition screen in an ostensibly healthy population. A literature search was performed for the gene, cDNA change, and amino acid change (where applicable). No publications were found based on this search. Allele frequency data from public databases was too high to be consistent with this variant causing disease. Therefore, this variant is classified as benign.